The following is an entry in ClinVar:

NM_005751.5(AKAP9):c.6166C>T (p.Gln2056Ter)

Gene: AKAP9 (A-kinase anchoring protein 9; plus strand). Cytogenetic location: 7q21.2.
Variant type: single nucleotide variant.
Coding change: c.6166C>T on transcript NM_005751.5 (MANE Select); coding-DNA position 6166, C replaced by T.
Protein change: p.Gln2056Ter; replaces glutamine 2056 with a stop codon.
Molecular consequence: nonsense.
Genome position (GRCh38, 1-based): chr7:92,065,419, C>T. VCF-style: chr7-92065419-C-T. GRCh37 (hg19) VCF-style: chr7-91694733-C-T.
Other names: c.811C>T, p.Gln271Ter (NM_001379277.1); c.6166C>T, p.Gln2056Ter (NM_147185.3); short protein forms Q2056*, Q271*.
Identifiers: ClinVar variation 2837370 (VCV002837370.3), dbSNP rs2535204230, ClinGen allele CA368132807.

ClinVar aggregate classification (germline): Uncertain significance (1 of 4 stars; one submission).

Conditions:
Long QT syndrome (LQTS). Identifiers: MedGen C0023976, MeSH D008133, MONDO:0002442. Disease mechanism: loss of function. Inheritance: Various modes of inheritance.

Submission:

Labcorp Genetics (formerly Invitae), Labcorp
Classification: Uncertain significance for Long QT syndrome. Last evaluated: 2024-10-15. Review status: criteria provided, single submitter. Criteria: Invitae Variant Classification Sherloc (09022015). Collection method: clinical testing. Allele origin: germline.
Comment: This sequence change creates a premature translational stop signal (p.Gln2056*) in the AKAP9 gene. It is expected to result in an absent or disrupted protein product. However, the current clinical and genetic evidence is not sufficient to establish whether loss-of-function variants in AKAP9 cause disease. This variant is not present in population databases (gnomAD no frequency). This variant has not been reported in the literature in individuals affected with AKAP9-related conditions. In summary, the available evidence is currently insufficient to determine the role of this variant in disease. Therefore, it has been classified as a Variant of Uncertain Significance.